The following is an entry in ClinVar:

ClinVar aggregate classification (germline): Uncertain significance. Review status: criteria provided, multiple submitters, no conflicts (2 of 4 stars). 2 submissions from 2 submitters: Uncertain significance (2). Last evaluated 2025-11-24.

Conditions:
Inborn genetic diseases. Identifiers: MedGen C0950123, MeSH D030342.

gnomAD v4.1: 6 of 1,613,974 alleles (0.00037%); highest among the groups gnomAD compares: Non-Finnish European, 0.00051%; no homozygotes.

Submissions (2):

Ambry Genetics
Classification: Uncertain significance for Inborn genetic diseases. Last evaluated: 2025-11-24. Review status: criteria provided, single submitter. Criteria: Ambry Variant Classification Scheme 2023. Collection method: clinical testing. Allele origin: germline.

Labcorp Genetics (formerly Invitae), Labcorp
Classification: Uncertain significance. Last evaluated: 2025-11-04. Review status: criteria provided, single submitter. Criteria: Invitae Variant Classification Sherloc (09022015). Collection method: clinical testing. Allele origin: germline.
Comment: This sequence change replaces isoleucine, which is neutral and non-polar, with asparagine, which is neutral and polar, at codon 30 of the TNFRSF11A protein (p.Ile30Asn). This variant is present in population databases (rs369642774, gnomAD 0.0009%). This variant has not been reported in the literature in individuals affected with TNFRSF11A-related conditions. Invitae Evidence Modeling of protein sequence and biophysical properties (such as structural, functional, and spatial information, amino acid conservation, physicochemical variation, residue mobility, and thermodynamic stability) indicates that this missense variant is not expected to disrupt TNFRSF11A protein function with a negative predictive value of 80%. In summary, the available evidence is currently insufficient to determine the role of this variant in disease. Therefore, it has been classified as a Variant of Uncertain Significance.

NM_003839.4(TNFRSF11A):c.89T>A (p.Ile30Asn)

Gene: TNFRSF11A (TNF receptor superfamily member 11a; plus strand). Cytogenetic location: 18q21.33.
Variant type: single nucleotide variant.
Coding change: c.89T>A on transcript NM_003839.4 (MANE Select); coding-DNA position 89, T replaced by A.
Protein change: p.Ile30Asn; replaces isoleucine 30 with asparagine.
Molecular consequence: missense variant.
Genome position (GRCh38, 1-based): chr18:62,348,181, T>A. VCF-style: chr18-62348181-T-A. GRCh37 (hg19) VCF-style: chr18-60015414-T-A.
Other names: c.89T>A, p.Ile30Asn (NM_001270950.2, NM_001270951.2, NM_001278268.2 and 1 more transcripts); short protein forms I30N.
Identifiers: ClinVar variation 4633318 (VCV004633318.2).